The following is an entry in ClinVar:

ClinVar aggregate classification (germline): Uncertain significance (1 of 4 stars; one submission).

Submission:

Ambry Genetics
Classification: Uncertain significance. Last evaluated: 2022-01-03. Review status: criteria provided, single submitter. Criteria: Ambry Variant Classification Scheme 2023. Collection method: clinical testing. Allele origin: germline.
Comment: The p.I260F variant (also known as c.778A>T), located in coding exon 6 of the BUB3 gene, results from an A to T substitution at nucleotide position 778. The isoleucine at codon 260 is replaced by phenylalanine, an amino acid with highly similar properties. This amino acid position is conserved. In addition, this alteration is predicted to be deleterious by in silico analysis. Since supporting evidence is limited at this time, the clinical significance of this alteration remains unclear.

NM_004725.4(BUB3):c.778A>T (p.Ile260Phe)

Gene: BUB3 (BUB3 mitotic checkpoint protein; plus strand). Cytogenetic location: 10q26.13.
Variant type: single nucleotide variant.
Coding change: c.778A>T on transcript NM_004725.4 (MANE Select); coding-DNA position 778, A replaced by T.
Protein change: p.Ile260Phe; replaces isoleucine 260 with phenylalanine.
Molecular consequence: missense variant.
Genome position (GRCh38, 1-based): chr10:123,162,635, A>T. VCF-style: chr10-123162635-A-T. GRCh37 (hg19) VCF-style: chr10-124922151-A-T.
Other names: c.778A>T, p.Ile260Phe (NM_001007793.3); short protein forms I260F.
Identifiers: ClinVar variation 1760629 (VCV001760629.2), dbSNP rs756296981, ClinGen allele CA378626892.